The following is an entry in ClinVar:

ClinVar aggregate classification (germline): Uncertain significance. Review status: criteria provided, single submitter (1 of 4 stars). 2 submissions from 2 submitters: Uncertain significance (1). 1 of the submissions does not count toward it. Last evaluated 2022-03-23.

Conditions:
Usher syndrome type 1 (USH1). Also called: RETINITIS PIGMENTOSA AND CONGENITAL DEAFNESS. Identifiers: Orphanet 231169, Orphanet 886, MedGen C1568247, MONDO:0010168, OMIM 276900.

Allele frequency attached by ClinVar (database versions not stated): TOPMed below 0.00001; gnomAD 0.00002.
gnomAD v4.1: 14 of 1,583,152 alleles (0.00088%); highest among the groups gnomAD compares: Non-Finnish European, 0.0012%; no homozygotes.

Submissions (2):

Labcorp Genetics (formerly Invitae), Labcorp
Classification: Uncertain significance. Last evaluated: 2022-03-23. Review status: criteria provided, single submitter. Criteria: Invitae Variant Classification Sherloc (09022015). Collection method: clinical testing. Allele origin: germline.
Comment: ClinVar contains an entry for this variant (Variation ID: 226440). Algorithms developed to predict the effect of missense changes on protein structure and function are either unavailable or do not agree on the potential impact of this missense change (SIFT: "Not Available"; PolyPhen-2: "Benign"; Align-GVGD: "Not Available"). This missense change has been observed in individual(s) with clinical features of Usher syndrome (PMID: 21569298). This sequence change replaces leucine, which is neutral and non-polar, with valine, which is neutral and non-polar, at codon 16 of the USH1G protein (p.Leu16Val). This variant is present in population databases (no rsID available, gnomAD 0.007%). In summary, the available evidence is currently insufficient to determine the role of this variant in disease. Therefore, it has been classified as a Variant of Uncertain Significance.

GeneReviews
Classification: Likely pathogenic for Usher syndrome type 1. Last evaluated: 2016-05-19. Review status: no assertion criteria provided. Collection method: literature only. Allele origin: germline. Affected: yes. Not counted in ClinVar's aggregate classification.

Literature cited by the submitters: PubMed 21569298 (cited by Labcorp Genetics (formerly Invitae), Labcorp and GeneReviews).

NM_173477.5(USH1G):c.46C>G (p.Leu16Val)

Gene: USH1G (USH1 protein network component sans; minus strand). Cytogenetic location: 17q25.1.
Variant type: single nucleotide variant.
Coding change: c.46C>G on transcript NM_173477.5 (MANE Select); coding-DNA position 46, C replaced by G.
Protein change: p.Leu16Val; replaces leucine 16 with valine.
Molecular consequence: missense variant. On other transcripts: 5 prime UTR variant (1).
Genome position (GRCh38, 1-based): chr17:74,923,028, G>C on the plus strand (C>G on the coding strand, the complement: USH1G is on the minus strand). VCF-style: chr17-74923028-G-C. GRCh37 (hg19) VCF-style: chr17-72919123-G-C.
Other names: c.-211C>G (NM_001282489.3); short protein forms L16V.
Identifiers: ClinVar variation 226440 (VCV000226440.6), dbSNP rs876657419, ClinGen allele CA10576353.